The following is an entry in ClinVar:

ClinVar aggregate classification (germline): Uncertain significance. Review status: criteria provided, multiple submitters, no conflicts (2 of 4 stars). 5 submissions from 5 submitters: Uncertain significance (5). Last evaluated 2025-12-22.

Conditions:
Familial thoracic aortic aneurysm and aortic dissection (TAAD). Also called: Thoracic aortic aneurysms and dissections. Identifiers: Orphanet 91387, MedGen C4707243, MONDO:0019625.
Ehlers-Danlos syndrome, classic type, 1 (EDSCL1). Also called: Ehlers-Danlos Syndrome, Classic Type, COL5A1-Related; EDS I; EHLERS-DANLOS SYNDROME, GRAVIS TYPE; EHLERS-DANLOS SYNDROME, SEVERE CLASSIC TYPE; Ehlers-Danlos syndrome, type 1. Identifiers: MedGen C0268335, MONDO:0019567, OMIM 130000.

Allele frequency attached by ClinVar (database versions not stated): TOPMed below 0.00001.
gnomAD v4.1: 8 of 1,613,288 alleles (0.0005%); highest among the groups gnomAD compares: Non-Finnish European, 0.00068%; no homozygotes.

Submissions (5):

Labcorp Genetics (formerly Invitae), Labcorp
Classification: Uncertain significance for Ehlers-Danlos syndrome, classic type, 1. Last evaluated: 2025-12-22. Review status: criteria provided, single submitter. Criteria: Invitae Variant Classification Sherloc (09022015). Collection method: clinical testing. Allele origin: germline.
Comment: This sequence change falls in intron 28 of the COL5A1 gene. It does not directly change the encoded amino acid sequence of the COL5A1 protein. It affects a nucleotide within the consensus splice site. This variant is not present in population databases (gnomAD no frequency). This variant has not been reported in the literature in individuals affected with COL5A1-related conditions. ClinVar contains an entry for this variant (Variation ID: 2960473). Variants that disrupt the consensus splice site are a relatively common cause of aberrant splicing (PMID: 17576681, 9536098). Algorithms developed to predict the effect of sequence changes on RNA splicing suggest that this variant may disrupt the consensus splice site. In summary, the available evidence is currently insufficient to determine the role of this variant in disease. Therefore, it has been classified as a Variant of Uncertain Significance.

Women's Health and Genetics/Laboratory Corporation of America, LabCorp
Classification: Uncertain significance. Last evaluated: 2025-11-06. Review status: criteria provided, single submitter. Criteria: LabCorp Variant Classification Summary - May 2015. Collection method: clinical testing. Allele origin: germline.
Comment: Variant summary: COL5A1 c.2430+5G>T alters a conserved nucleotide located close to a canonical splice site and therefore could affect mRNA splicing, leading to a significantly altered protein sequence. Several computational tools predict a significant impact on normal splicing: Three predict the variant weakens a 5' donor site. However, these predictions have yet to be confirmed by functional studies. The variant was absent in 250980 control chromosomes. The available data on variant occurrences in the general population are insufficient to allow any conclusion about variant significance. To our knowledge, no occurrence of c.2430+5G>T in individuals affected with COL5A1-related conditions and no experimental evidence demonstrating its impact on protein function have been reported. ClinVar contains an entry for this variant (Variation ID: 2960473). Based on the evidence outlined above, the variant was classified as uncertain significance.

Ambry Genetics
Classification: Uncertain significance for Familial thoracic aortic aneurysm and aortic dissection. Last evaluated: 2025-10-07. Review status: criteria provided, single submitter. Criteria: Ambry Variant Classification Scheme 2023. Collection method: clinical testing. Allele origin: germline.
Comment: The c.2430+5G>T intronic variant results from a G to T substitution 5 nucleotides after coding exon 28 in the COL5A1 gene. This nucleotide position is highly conserved in available vertebrate species. In silico splice site analysis for this alteration is inconclusive. Based on the available evidence, the clinical significance of this variant remains unclear.

GeneDx
Classification: Uncertain significance. Last evaluated: 2025-06-09. Review status: criteria provided, single submitter. Criteria: GeneDx Variant Classification Process June 2021. Collection method: clinical testing. Allele origin: germline. Affected: yes.
Comment: Not observed at significant frequency in large population cohorts (gnomAD); In silico analysis suggests that this variant does not alter splicing; Has not been previously published as pathogenic or benign to our knowledge

Blueprint Genetics
Classification: Uncertain significance. Last evaluated: 2018-09-04. Review status: criteria provided, single submitter. Criteria: ACMG Guidelines, 2015. Collection method: clinical testing. Allele origin: germline.

Literature cited by the submitters: PubMed 17576681 (cited by Labcorp Genetics (formerly Invitae), Labcorp); PubMed 9536098 (cited by Labcorp Genetics (formerly Invitae), Labcorp).

NM_000093.5(COL5A1):c.2430+5G>T

Gene: COL5A1 (collagen type V alpha 1 chain; plus strand). Cytogenetic location: 9q34.3.
Variant type: single nucleotide variant.
Coding change: c.2430+5G>T on transcript NM_000093.5 (MANE Select); 5 bases into the intron after coding-DNA position 2430, G replaced by T.
Molecular consequence: intron variant.
Genome position (GRCh38, 1-based): chr9:134,780,151, G>T. VCF-style: chr9-134780151-G-T. GRCh37 (hg19) VCF-style: chr9-137671997-G-T.
Other names: c.2430+5G>T (NM_001278074.1, NM_000093.3).
Identifiers: ClinVar variation 2960473 (VCV002960473.7), dbSNP rs1837198175, ClinGen allele CA1883363848.